The following is an entry in ClinVar:

NM_001367561.1(DOCK7):c.3916A>G (p.Ser1306Gly)

Gene: DOCK7 (dedicator of cytokinesis 7; minus strand). Cytogenetic location: 1p31.3.
Variant type: single nucleotide variant.
Coding change: c.3916A>G on transcript NM_001367561.1 (MANE Select); coding-DNA position 3916, A replaced by G.
Protein change: p.Ser1306Gly; replaces serine 1306 with glycine.
Molecular consequence: missense variant.
Genome position (GRCh38, 1-based): chr1:62,528,171, T>C on the plus strand (A>G on the coding strand, the complement: DOCK7 is on the minus strand). VCF-style: chr1-62528171-T-C. GRCh37 (hg19) VCF-style: chr1-62993842-T-C.
Other names: c.3916A>G, p.Ser1306Gly (NM_001271999.2, NM_001330614.2); c.3823A>G, p.Ser1275Gly (NM_001272000.2, NM_001272001.2, NM_033407.4); short protein forms S1275G, S1306G.
Identifiers: ClinVar variation 541915 (VCV000541915.9), dbSNP rs1553163131, ClinGen allele CA340599588.

ClinVar aggregate classification (germline): Uncertain significance (1 of 4 stars; one submission).

Conditions:
Developmental and epileptic encephalopathy, 23 (DEE23). Also called: Epileptic encephalopathy, early infantile, 23. Identifiers: Orphanet 411986, MedGen C4014492, MONDO:0014371, OMIM 615859.

gnomAD v4.1: 2 of 1,612,324 alleles (0.00012%); highest among the groups gnomAD compares: South Asian, 0.0011%; no homozygotes.

Submission:

Labcorp Genetics (formerly Invitae), Labcorp
Classification: Uncertain significance for Developmental and epileptic encephalopathy, 23. Last evaluated: 2017-10-22. Review status: criteria provided, single submitter. Criteria: Invitae Variant Classification Sherloc (09022015). Collection method: clinical testing. Allele origin: germline.
Comment: This sequence change replaces serine with glycine at codon 1306 of the DOCK7 protein (p.Ser1306Gly). The serine residue is highly conserved and there is a small physicochemical difference between serine and glycine. In summary, the available evidence is currently insufficient to determine the role of this variant in disease. Therefore, it has been classified as a Variant of Uncertain Significance. Algorithms developed to predict the effect of missense changes on protein structure and function (SIFT, PolyPhen-2, Align-GVGD) all suggest that this variant is likely to be tolerated, but these predictions have not been confirmed by published functional studies and their clinical significance is uncertain. This variant has not been reported in the literature in individuals with DOCK7-related disease. This variant is not present in population databases (ExAC no frequency).